The following is an entry in ClinVar:

ClinVar aggregate classification (germline): Pathogenic/Likely pathogenic. Review status: criteria provided, multiple submitters, no conflicts (2 of 4 stars). 8 submissions from 8 submitters: Pathogenic (4); Likely pathogenic (1). 3 of the submissions do not count toward it. Last evaluated 2024-04-08.

Conditions:
Familial hypercholesterolemia. Also called: Familial hypercholesterolaemia; Familial hypercholesterolemias. Identifiers: MedGen C0020445, MONDO:0005439.
Hypercholesterolemia, familial, 1. Also called: HYPERCHOLESTEROLEMIA, FAMILIAL, MODIFIER OF; LDL RECEPTOR DISORDER; Hyperlipoproteinemia Type IIa; HYPER-LOW-DENSITY-LIPOPROTEINEMIA; HYPERCHOLESTEROLEMIC XANTHOMATOSIS, FAMILIAL; Fredrickson type IIa hyperlipoproteinemia. Identifiers: Orphanet 391665, MedGen C0745103, MONDO:0007750, OMIM 143890.
Hypercholesterolemia, autosomal dominant, 3 (FHCL3). Also called: Familial hypercholesterolemia 3; PCSK9-Related Familial Hypercholesterolemia, Autosomal Dominant; Familial Hypercholesterolemia, Autosomal Dominant, 3. Identifiers: MedGen C1863551, MONDO:0011369, OMIM 603776.

Submissions (8):

Color Diagnostics, LLC DBA Color Health
Classification: Pathogenic for Familial hypercholesterolemia. Last evaluated: 2024-04-08. Review status: criteria provided, single submitter. Criteria: ACMG Guidelines, 2015. Collection method: clinical testing. Allele origin: germline.
Comment: This missense variant replaces serine with arginine at codon 127 in the prodomain of the PCSK9 protein. Computational prediction is inconclusive regarding the impact of this variant on protein structure and function. Multiple functional studies have shown that this variant results in significant reduction of LDL receptor levels on the cell surface and decreased LDL uptake by cells (PMID: 15358785, 15385538, 17493938, 18354137, 27280970, 36187800), (PMID: 15358785, 15385538, 17493938, 18354137, 27280970, 36187800). It has been shown that this variant segregates with autosomal dominant hypercholesterolemia in over ten individuals from two French families (PMID 12730697). This variant has been reported in three other individuals affected with familial hypercholesterolemia (PMID: 12730697, 33147992). This variant has not been identified in the general population by the Genome Aggregation Database (gnomAD). Based on the available evidence, this variant is classified as Pathogenic.

All of Us Research Program, National Institutes of Health
Classification: Pathogenic for Hypercholesterolemia, autosomal dominant, 3. Last evaluated: 2024-01-12. Review status: criteria provided, single submitter. Criteria: ACMG Guidelines, 2015. Collection method: clinical testing. Allele origin: germline. Inheritance: Autosomal dominant inheritance. Observed: 1 variant allele, 1 heterozygote.
Comment: The c.381T>A (p.Ser127Arg) variant in the PCSK9 gene is located in the exon 2 of the PCSK9 gene and is predicted to replace serine with arginine at codon 127 of the PCSK9 protein. This variant has been identified in individuals with autosomal dominant familial hypercholesterolemia (PMID: 12730697, 33147992, 15166014). Experimental studies have shown that this missense change affects PCSK9 function (PMID: 15358785, 27280970, 15166014, 36187800). This variant has not been reported in the general population according to gnomAD. A different variant affecting amino acid residue Ser127 (c.381T>G, p.Ser127Leu) has been determined to be pathogenic in ClinVar according to ACMG guidelines. Therefore, the c.381 T>A (p.Ser127Arg) variant in the PCSK9 gene has been classified as pathogenic.

This study involves interpretation of variants in research participants for the purpose of population health screening. Participant phenotype was not available at the time of variant classification. Additional details can be found in publication PMID: 35346344, PMCID: PMC8962531

Labcorp Genetics (formerly Invitae), Labcorp
Classification: Pathogenic for Hypercholesterolemia, autosomal dominant, 3. Last evaluated: 2022-06-29. Review status: criteria provided, single submitter. Criteria: Invitae Variant Classification Sherloc (09022015). Collection method: clinical testing. Allele origin: germline.
Comment: For these reasons, this variant has been classified as Pathogenic. Experimental studies have shown that this missense change affects PCSK9 function (PMID: 15358785, 27280970). Advanced modeling of protein sequence and biophysical properties (such as structural, functional, and spatial information, amino acid conservation, physicochemical variation, residue mobility, and thermodynamic stability) performed at Invitae indicates that this missense variant is expected to disrupt PCSK9 protein function. ClinVar contains an entry for this variant (Variation ID: 2873). This variant is also known as 625T>A. This missense change has been observed in individuals with autosomal dominant familial hypercholesterolemia (PMID: 12730697, 33147992). It has also been observed to segregate with disease in related individuals. This variant is not present in population databases (gnomAD no frequency). This sequence change replaces serine, which is neutral and polar, with arginine, which is basic and polar, at codon 127 of the PCSK9 protein (p.Ser127Arg).

Centre de Génétique Moléculaire et Chromosomique, Unité de génétique de l'Obésité et des Dyslipidémies, APHP, GH Hôpitaux Universitaires Pitié-Salpêtrière / Charles-Foix
Classification: Pathogenic for Hypercholesterolemia, autosomal dominant, 3. Last evaluated: 2016-12-16. Review status: criteria provided, single submitter. Criteria: ACMG Guidelines, 2015. Collection method: clinical testing. Allele origin: germline. Affected: yes.
Comment: subjects mutated among 2600 FH index cases screened = 11, family members = 2 / Software predictions: Damaging

Cardiovascular Research Group, Instituto Nacional de Saude Doutor Ricardo Jorge
Classification: Likely pathogenic for Familial hypercholesterolemia. Last evaluated: 2016-03-01. Review status: criteria provided, single submitter. Criteria: ACMG Guidelines, 2015. Collection method: curation, literature only. Allele origin: germline, not applicable. Inheritance: Autosomal dominant inheritance.

OMIM
Classification: Pathogenic for HYPERCHOLESTEROLEMIA, FAMILIAL, 3. Last evaluated: 2008-02-12. Review status: no assertion criteria provided. Collection method: literature only. Allele origin: germline. Not counted in ClinVar's aggregate classification.

GeneReviews
No classification provided. Condition: Hypercholesterolemia, autosomal dominant, 3. Review status: no classification provided. Collection method: literature only. Allele origin: germline. Affected: yes. Not counted in ClinVar's aggregate classification.

Laboratorium voor Moleculaire Diagnostiek Experimentele Vasculaire Geneeskunde, Academisch Medisch Centrum
Classification: Pathogenic for Familial hypercholesterolemia. Review status: no assertion criteria provided. Collection method: research. Allele origin: germline. Not counted in ClinVar's aggregate classification.

Literature cited by the submitters: PubMed 12730697 (cited by 4 submitters); PubMed 15358785 (cited by 4 submitters); PubMed 15385538 (cited by Color Diagnostics, LLC DBA Color Health); PubMed 17493938 (cited by Color Diagnostics, LLC DBA Color Health); PubMed 18354137 (cited by Color Diagnostics, LLC DBA Color Health); PubMed 27280970 (cited by 3 submitters); PubMed 33147992 (cited by 3 submitters); PubMed 36187800 (cited by Color Diagnostics, LLC DBA Color Health and All of Us Research Program, National Institutes of Health); PubMed 15166014 (cited by All of Us Research Program, National Institutes of Health and OMIM); PubMed 16571601 (cited by Cardiovascular Research Group, Instituto Nacional de Saude Doutor Ricardo Jorge); PubMed 19081568 (cited by Cardiovascular Research Group, Instituto Nacional de Saude Doutor Ricardo Jorge); PubMed 18250299 (cited by OMIM); NCBI Bookshelf NBK174884 (cited by GeneReviews).

NM_174936.4(PCSK9):c.381T>A (p.Ser127Arg)

Gene: PCSK9 (proprotein convertase subtilisin/kexin type 9; plus strand). Cytogenetic location: 1p32.3.
Variant type: single nucleotide variant.
Coding change: c.381T>A on transcript NM_174936.4 (MANE Select); coding-DNA position 381, T replaced by A.
Protein change: p.Ser127Arg; replaces serine 127 with arginine.
Molecular consequence: missense variant.
Genome position (GRCh38, 1-based): chr1:55,044,016, T>A. VCF-style: chr1-55044016-T-A. GRCh37 (hg19) VCF-style: chr1-55509689-T-A.
Other names: S127R.
Identifiers: ClinVar variation 2873 (VCV000002873.9), dbSNP rs28942111, ClinGen allele CA023152.